The following is an entry in ClinVar:

ClinVar aggregate classification (germline): Uncertain significance (1 of 4 stars; one submission).

Conditions:
Episodic ataxia type 2 (EA2). Also called: ACETAZOLAMIDE-RESPONSIVE HEREDITARY PAROXYSMAL CEREBELLAR ATAXIA; ATAXIA, EPISODIC, WITH NYSTAGMUS; ATAXIA, FAMILIAL PAROXYSMAL; CEREBELLAR ATAXIA, PAROXYSMAL, ACETAZOLAMIDE-RESPONSIVE; CEREBELLOPATHY, HEREDITARY PAROXYSMAL; EPISODIC ATAXIA, NYSTAGMUS-ASSOCIATED. Identifiers: Orphanet 97, MedGen C1720416, MONDO:0007163, OMIM 108500.
Developmental and epileptic encephalopathy, 42 (DEE42A). Also called: EPILEPTIC ENCEPHALOPATHY, EARLY INFANTILE, 42A; DEVELOPMENTAL AND EPILEPTIC ENCEPHALOPATHY 42A; Epileptic encephalopathy, early infantile, 42. Identifiers: MedGen C4310716, MONDO:0014917, OMIM 617106.

Allele frequency attached by ClinVar (database versions not stated): gnomAD 0.00001; gnomAD exomes 0.00001; TOPMed 0.00001.
gnomAD v4.1: 15 of 1,612,456 alleles (0.00093%); highest among the groups gnomAD compares: Non-Finnish European, 0.0013%; no homozygotes.

Submission:

Labcorp Genetics (formerly Invitae), Labcorp
Classification: Uncertain significance for Developmental and epileptic encephalopathy, 42; Episodic ataxia type 2. Last evaluated: 2024-08-05. Review status: criteria provided, single submitter. Criteria: Invitae Variant Classification Sherloc (09022015). Collection method: clinical testing. Allele origin: germline.
Comment: This sequence change replaces glycine, which is neutral and non-polar, with serine, which is neutral and polar, at codon 1286 of the CACNA1A protein (p.Gly1286Ser). This variant is present in population databases (no rsID available, gnomAD 0.007%). This variant has not been reported in the literature in individuals affected with CACNA1A-related conditions. ClinVar contains an entry for this variant (Variation ID: 2142723). Advanced modeling of protein sequence and biophysical properties (such as structural, functional, and spatial information, amino acid conservation, physicochemical variation, residue mobility, and thermodynamic stability) performed at Invitae indicates that this missense variant is expected to disrupt CACNA1A protein function with a positive predictive value of 95%. In summary, the available evidence is currently insufficient to determine the role of this variant in disease. Therefore, it has been classified as a Variant of Uncertain Significance.

NM_001127222.2(CACNA1A):c.3853G>A (p.Gly1285Ser)

Gene: CACNA1A (calcium voltage-gated channel subunit alpha1 A; minus strand). Cytogenetic location: 19p13.13.
Variant type: single nucleotide variant.
Coding change: c.3853G>A on transcript NM_001127222.2 (MANE Select); coding-DNA position 3853, G replaced by A.
Protein change: p.Gly1285Ser; replaces glycine 1285 with serine.
Molecular consequence: missense variant.
Genome position (GRCh38, 1-based): chr19:13,277,098, C>T on the plus strand (G>A on the coding strand, the complement: CACNA1A is on the minus strand). VCF-style: chr19-13277098-C-T. GRCh37 (hg19) VCF-style: chr19-13387912-C-T.
Other names: c.3865G>A, p.Gly1289Ser (NM_000068.4, NM_023035.3); c.3856G>A, p.Gly1286Ser (NM_001127221.2, NM_001174080.2); short protein forms G1285S, G1286S, G1289S.
Identifiers: ClinVar variation 2142723 (VCV002142723.4), dbSNP rs1268079595, ClinGen allele CA404340445.